The following is an entry in ClinVar:

ClinVar aggregate classification (germline): Uncertain significance (1 of 4 stars; one submission).

Conditions:
Leigh syndrome (NULS). Also called: Leigh's necrotizing encephalopathy; Leigh's disease; Leigh Syndrome (mtDNA deletion); Leigh Disease; Subacute necrotizing encephalopathy; Necrotizing encephalopathy infantile subacute of Leigh. Identifiers: Orphanet 506, MedGen C2931891, MONDO:0009723, OMIM 256000.

Submission:

Wong Mito Lab, Molecular and Human Genetics, Baylor College of Medicine
Classification: Uncertain significance for Leigh syndrome. Last evaluated: 2019-10-17. Review status: criteria provided, single submitter. Criteria: Modified ACMG Guidelines (Unpublished). Collection method: clinical testing. Allele origin: germline.
Comment: The NC_012920.1:m.13484T>C (YP_003024036.1:p.Met383Thr) variant in MTND5 gene is interpretated to be a Uncertain Significance variant based on the modified ACMG guidelines (unpublished). This variant meets the following evidence codes: PP7, BP4

NC_012920.1(MT-ND5):m.13484T>C

Gene: MT-ND5 (mitochondrially encoded NADH dehydrogenase 5; plus strand).
Variant type: single nucleotide variant.
Genome position: chrM-13484-T-C.
Identifiers: ClinVar variation 693563 (VCV000693563.1), dbSNP rs1603224204, ClinGen allele CA414818189.